The following is an entry in ClinVar:

NM_001242896.3(DEPDC5):c.193+3A>G

Gene: DEPDC5 (DEP domain containing 5, GATOR1 subcomplex subunit; plus strand). Cytogenetic location: 22q12.2.
Variant type: single nucleotide variant.
Coding change: c.193+3A>G on transcript NM_001242896.3 (MANE Select); 3 bases into the intron after coding-DNA position 193, A replaced by G.
Molecular consequence: intron variant.
Genome position (GRCh38, 1-based): chr22:31,760,705, A>G. VCF-style: chr22-31760705-A-G. GRCh37 (hg19) VCF-style: chr22-32156691-A-G.
Other names: c.193+3A>G (NM_001364318.2, NM_001136029.4, NM_014662.6 and 9 more transcripts).
Identifiers: ClinVar variation 1364912 (VCV001364912.6), dbSNP rs2148027911, ClinGen allele CA2573158140.
Genomic context (GRCh38, chr22:31,760,705, plus strand): 5'-TTCTTTTTCAGCCCTCTGCTTTTGCAGGTCAAGTCTCTTAAGGAAGATTTACAGAAGGGT[A>G]AGAATTATATCACTCTTCTTAGAATTTTTTATTTACTGCCTCAGAAACTGTAAGAAATCT-3'

ClinVar aggregate classification (germline): Uncertain significance (1 of 4 stars; one submission).

Conditions:
Familial focal epilepsy with variable foci (FPEVF). Identifiers: Orphanet 98820, MedGen C1858477, MONDO:0020310.

gnomAD v4.1: 3 of 1,607,512 alleles (0.00019%); highest among the groups gnomAD compares: Non-Finnish European, 0.00026%; no homozygotes.

Submission:

Labcorp Genetics (formerly Invitae), Labcorp
Classification: Uncertain significance for Familial focal epilepsy with variable foci. Last evaluated: 2023-11-09. Review status: criteria provided, single submitter. Criteria: Invitae Variant Classification Sherloc (09022015). Collection method: clinical testing. Allele origin: germline.
Comment: This sequence change falls in intron 4 of the DEPDC5 gene. It does not directly change the encoded amino acid sequence of the DEPDC5 protein. It affects a nucleotide within the consensus splice site. This variant is not present in population databases (gnomAD no frequency). This variant has not been reported in the literature in individuals affected with DEPDC5-related conditions. ClinVar contains an entry for this variant (Variation ID: 1364912). Variants that disrupt the consensus splice site are a relatively common cause of aberrant splicing (PMID: 17576681, 9536098). Algorithms developed to predict the effect of sequence changes on RNA splicing suggest that this variant may disrupt the consensus splice site. In summary, the available evidence is currently insufficient to determine the role of this variant in disease. Therefore, it has been classified as a Variant of Uncertain Significance.

Literature cited by the submitters: PubMed 17576681; PubMed 9536098.